The following is an entry in ClinVar:

ClinVar aggregate classification (germline): Uncertain significance (1 of 4 stars; one submission).

Conditions:
Rienhoff syndrome. Also called: LOEYS-DIETZ SYNDROME 5. Identifiers: MedGen C3810012, MONDO:0014262, OMIM 615582.

Submission:

Labcorp Genetics (formerly Invitae), Labcorp
Classification: Uncertain significance for Rienhoff syndrome. Last evaluated: 2023-09-22. Review status: criteria provided, single submitter. Criteria: Invitae Variant Classification Sherloc (09022015). Collection method: clinical testing. Allele origin: germline.
Comment: This sequence change replaces leucine, which is neutral and non-polar, with phenylalanine, which is neutral and non-polar, at codon 154 of the TGFB3 protein (p.Leu154Phe). In summary, the available evidence is currently insufficient to determine the role of this variant in disease. Therefore, it has been classified as a Variant of Uncertain Significance. Advanced modeling of protein sequence and biophysical properties (such as structural, functional, and spatial information, amino acid conservation, physicochemical variation, residue mobility, and thermodynamic stability) performed at Invitae indicates that this missense variant is not expected to disrupt TGFB3 protein function. This variant has not been reported in the literature in individuals affected with TGFB3-related conditions. This variant is not present in population databases (gnomAD no frequency).

NM_003239.5(TGFB3):c.462G>T (p.Leu154Phe)

Gene: TGFB3 (transforming growth factor beta 3; minus strand). Cytogenetic location: 14q24.3.
Variant type: single nucleotide variant.
Coding change: c.462G>T on transcript NM_003239.5 (MANE Select); coding-DNA position 462, G replaced by T.
Protein change: p.Leu154Phe; replaces leucine 154 with phenylalanine.
Molecular consequence: missense variant.
Genome position (GRCh38, 1-based): chr14:75,971,609, C>A on the plus strand (G>T on the coding strand, the complement: TGFB3 is on the minus strand). VCF-style: chr14-75971609-C-A. GRCh37 (hg19) VCF-style: chr14-76437952-C-A.
Other names: c.462G>T, p.Leu154Phe (NM_001329938.2, NM_001329939.2); short protein forms L154F.
Identifiers: ClinVar variation 2903112 (VCV002903112.3), dbSNP rs2504111800, ClinGen allele CA390470043.